The following is an entry in ClinVar:

NM_000080.4(CHRNE):c.406G>A (p.Val136Met)

Genes: C17orf107 (chromosome 17 open reading frame 107; plus strand), CHRNE (cholinergic receptor nicotinic epsilon subunit; minus strand). Cytogenetic location: 17p13.2.
Variant type: single nucleotide variant.
Coding change: c.406G>A on transcript NM_000080.4 (MANE Select); coding-DNA position 406, G replaced by A.
Protein change: p.Val136Met; replaces valine 136 with methionine.
Molecular consequence: missense variant. On other transcripts: 3 prime UTR variant (1).
Genome position (GRCh38, 1-based): chr17:4,902,026, C>T on the plus strand (G>A on the coding strand, the complement: CHRNE is on the minus strand). VCF-style: chr17-4902026-C-T. GRCh37 (hg19) VCF-style: chr17-4805321-C-T.
Other names: c.*1493C>T (NM_001145536.2); short protein forms V136M.
Identifiers: ClinVar variation 1009067 (VCV001009067.7), dbSNP rs773822199, ClinGen allele CA8314463.

ClinVar aggregate classification (germline): Uncertain significance. Review status: criteria provided, multiple submitters, no conflicts (2 of 4 stars). 3 submissions from 3 submitters: Uncertain significance (2). 1 of the submissions does not count toward it. Last evaluated 2024-12-03.

Conditions:
Congenital myasthenic syndrome (CMS). Also called: Congenital Myasthenic Syndromes. Identifiers: Orphanet 590, MedGen C0751882, MeSH D020294, MONDO:0018940.
Congenital myasthenic syndrome 4A. Also called: Myasthenic syndrome, congenital, 4a, slow-channel; CONGENITAL MYASTHENIC SYNDROME TYPE Ia1; MYASTHENIC SYNDROME, CONGENITAL, 4A, SLOW-CHANNEL, AUTOSOMAL RECESSIVE. Identifiers: Orphanet 590, MedGen C4225413, MONDO:0011600, OMIM 605809.

Allele frequency attached by ClinVar (database versions not stated): ExAC 0.00001; gnomAD exomes 0.00001; gnomAD 0.00006; TOPMed 0.00008.
gnomAD v4.1: 22 of 1,613,990 alleles (0.0014%); highest among the groups gnomAD compares: African/African-American, 0.012%; no homozygotes.

Submissions (3):

Labcorp Genetics (formerly Invitae), Labcorp
Classification: Uncertain significance for Congenital myasthenic syndrome 4A. Last evaluated: 2024-12-03. Review status: criteria provided, single submitter. Criteria: Invitae Variant Classification Sherloc (09022015). Collection method: clinical testing. Allele origin: germline.
Comment: This sequence change replaces valine, which is neutral and non-polar, with methionine, which is neutral and non-polar, at codon 136 of the CHRNE protein (p.Val136Met). The frequency data for this variant in the population databases is considered unreliable, as metrics indicate poor data quality at this position in the gnomAD database. This variant has not been reported in the literature in individuals affected with CHRNE-related conditions. ClinVar contains an entry for this variant (Variation ID: 1009067). Invitae Evidence Modeling of protein sequence and biophysical properties (such as structural, functional, and spatial information, amino acid conservation, physicochemical variation, residue mobility, and thermodynamic stability) indicates that this missense variant is not expected to disrupt CHRNE protein function with a negative predictive value of 95%. In summary, the available evidence is currently insufficient to determine the role of this variant in disease. Therefore, it has been classified as a Variant of Uncertain Significance.

Revvity Omics, Revvity
Classification: Uncertain significance. Last evaluated: 2019-10-15. Review status: criteria provided, single submitter. Criteria: ACMG Guidelines, 2015. Collection method: clinical testing. Allele origin: germline.

Natera, Inc.
Classification: Uncertain significance for Congenital myasthenic syndrome. Last evaluated: 2019-11-11. Review status: no assertion criteria provided. Collection method: clinical testing. Allele origin: germline. Not counted in ClinVar's aggregate classification.